The following is an entry in ClinVar:

NM_000548.5(TSC2):c.523G>A (p.Glu175Lys)

Gene: TSC2 (TSC complex subunit 2; plus strand). Cytogenetic location: 16p13.3.
Variant type: single nucleotide variant.
Coding change: c.523G>A on transcript NM_000548.5 (MANE Select); coding-DNA position 523, G replaced by A.
Protein change: p.Glu175Lys; replaces glutamic acid 175 with lysine.
Molecular consequence: missense variant. On other transcripts: intron variant (1).
Genome position (GRCh38, 1-based): chr16:2,055,443, G>A. VCF-style: chr16-2055443-G-A. GRCh37 (hg19) VCF-style: chr16-2105444-G-A.
Other names: c.523G>A, p.Glu175Lys (NM_001077183.3, NM_001114382.3, NM_001363528.2 and 3 more transcripts); c.412G>A, p.Glu138Lys (NM_001318827.2); c.376G>A, p.Glu126Lys (NM_001318829.2); c.556G>A, p.Glu186Lys (NM_001318832.2); c.-1-753G>A (NM_001318831.2); short protein forms E175K, E138K, E126K, E186K.
Identifiers: ClinVar variation 535939 (VCV000535939.18), dbSNP rs1555498151, ClinGen allele CA394309294.
Genomic context (GRCh38, chr16:2,055,443, plus strand): 5'-GCCGCCGCTTCTCCCCCAGCTGACTTTGTCCTGCAGTGGATGGATGTTGGCTTGTCCTCG[G>A]AATTCCTTCTGGTGCTGGTGAACTTGGTCAAATTCAATAGCTGTTACCTCGACGAGTACA-3'
Protein context (NP_000539.2, residues 165-185): LQWMDVGLSS[Glu175Lys]FLLVLVNLVK

ClinVar aggregate classification (germline): Uncertain significance. Review status: criteria provided, multiple submitters, no conflicts (2 of 4 stars). 6 submissions from 6 submitters: Uncertain significance (6). Last evaluated 2026-10-01.

Conditions:
Hereditary cancer-predisposing syndrome. Also called: Hereditary Cancer Syndrome; Neoplastic Syndromes, Hereditary; Hereditary neoplastic syndrome; Tumor predisposition. Identifiers: Orphanet 140162, MedGen C0027672, MeSH D009386, MONDO:0015356.
Tuberous sclerosis 2 (TSC2). Identifiers: Orphanet 805, MedGen C1860707, MONDO:0013199, OMIM 613254.
Tuberous sclerosis syndrome (TSC). Also called: Tuberous Sclerosis Complex; Tuberous sclerosis. Identifiers: Orphanet 805, MedGen C0041341, MONDO:0001734.

Allele frequency attached by ClinVar (database versions not stated): gnomAD exomes below 0.00001; TOPMed below 0.00001.
gnomAD v4.1: 2 of 1,614,216 alleles (0.00012%); highest among the groups gnomAD compares: Non-Finnish European, 0.00017%; no homozygotes.

Submissions (6):

St. Jude Molecular Pathology, St. Jude Children's Research Hospital
Classification: Uncertain significance for Tuberous sclerosis 2. Last evaluated: 2026-10-01. Review status: criteria provided, single submitter. Criteria: St. Jude Assertion Criteria 2020. Collection method: clinical testing. Allele origin: germline.
Comment: The TSC2 c.523G>A p.(Glu175Lys) missense change is absent in gnomAD v2.1.1. The in silico tool REVEL predicts a deleterious effect on protein function, but to our knowledge t his prediction has not been confirmed by functional studies. To our knowledge, this variant has not been reported as pathogenic in individuals with tuberous sclerosis complex. In summary, the evidence currently available is insufficient to determine the clinical significance of this variant. It has therefore been classified as of uncertain significance.

Color Diagnostics, LLC DBA Color Health
Classification: Uncertain significance for Tuberous sclerosis syndrome. Last evaluated: 2025-08-24. Review status: criteria provided, single submitter. Criteria: ACMG Guidelines, 2015. Collection method: clinical testing. Allele origin: germline.
Comment: This missense variant replaces glutamic acid with lysine at codon 175 of the TSC2 protein. Computational prediction is inconclusive regarding the impact of this variant on protein structure and function. To our knowledge, functional studies have not been reported for this variant. This variant has not been reported in individuals affected with TSC2-related disorders in the literature. This variant has not been identified in the general population by the Genome Aggregation Database (gnomAD). The available evidence is insufficient to determine the role of this variant in disease conclusively. Therefore, this variant is classified as a Variant of Uncertain Significance.

Labcorp Genetics (formerly Invitae), Labcorp
Classification: Uncertain significance for Tuberous sclerosis 2. Last evaluated: 2025-07-06. Review status: criteria provided, single submitter. Criteria: Invitae Variant Classification Sherloc (09022015). Collection method: clinical testing. Allele origin: germline.
Comment: This sequence change replaces glutamic acid, which is acidic and polar, with lysine, which is basic and polar, at codon 175 of the TSC2 protein (p.Glu175Lys). This variant is not present in population databases (gnomAD no frequency). This variant has not been reported in the literature in individuals affected with TSC2-related conditions. ClinVar contains an entry for this variant (Variation ID: 535939). Invitae Evidence Modeling of protein sequence and biophysical properties (such as structural, functional, and spatial information, amino acid conservation, physicochemical variation, residue mobility, and thermodynamic stability) indicates that this missense variant is not expected to disrupt TSC2 protein function with a negative predictive value of 95%. In summary, the available evidence is currently insufficient to determine the role of this variant in disease. Therefore, it has been classified as a Variant of Uncertain Significance.

Ambry Genetics
Classification: Uncertain significance for Hereditary cancer-predisposing syndrome. Last evaluated: 2024-02-28. Review status: criteria provided, single submitter. Criteria: Ambry Variant Classification Scheme 2023. Collection method: clinical testing. Allele origin: germline.
Comment: The p.E175K variant (also known as c.523G>A), located in coding exon 5 of the TSC2 gene, results from a G to A substitution at nucleotide position 523. The glutamic acid at codon 175 is replaced by lysine, an amino acid with similar properties. This amino acid position is not well conserved in available vertebrate species. In addition, the in silico prediction for this alteration is inconclusive. Since supporting evidence is limited at this time, the clinical significance of this alteration remains unclear.

All of Us Research Program, National Institutes of Health
Classification: Uncertain significance for Tuberous sclerosis syndrome. Last evaluated: 2023-06-26. Review status: criteria provided, single submitter. Criteria: ACMG Guidelines, 2015. Collection method: clinical testing. Allele origin: germline. Inheritance: Autosomal dominant inheritance. Observed: 1 variant allele, 1 heterozygote.
Comment: This missense variant replaces glutamic acid with lysine at codon 175 of the TSC2 protein. Computational prediction is inconclusive regarding the impact of this variant on protein structure and function (internally defined REVEL score threshold 0.5 < inconclusive < 0.7, PMID: 27666373). To our knowledge, functional studies have not been reported for this variant. This variant has not been reported in individuals affected with TSC2-related disorders in the literature. This variant has not been identified in the general population by the Genome Aggregation Database (gnomAD). The available evidence is insufficient to determine the role of this variant in disease conclusively. Therefore, this variant is classified as a Variant of Uncertain Significance.

This study involves interpretation of variants in research participants for the purpose of population health screening. Participant phenotype was not available at the time of variant classification. Additional details can be found in publication PMID: 35346344, PMCID: PMC8962531

Sema4
Classification: Uncertain significance for Hereditary cancer-predisposing syndrome. Last evaluated: 2021-06-04. Review status: criteria provided, single submitter. Criteria: Sema4 Curation Guidelines. Collection method: curation. Allele origin: germline.
Comment: The TSC2 c.523G>A (p.E175K) variant has not been reported in the literature to our knowledge. It was not observed in the large and broad cohorts of the Genome Aggregation Database (PMID: 32461654). The variant has been reported in ClinVar (Variation ID: 535939). In silico tools suggest the impact of the variant on protein splicing is inconclusive, though these predictions have not been confirmed by functional studies. The evidence is insufficient to meet ACMG/AMP criteria for classifying the variant as benign or pathogenic. Thus, the clinical significance of this variant is currently uncertain.